The following is an entry in ClinVar:

NC_000006.11:g.(?_51768375)_(51774292_?)del

Gene: PKHD1 (PKHD1 ciliary IPT domain containing fibrocystin/polyductin; minus strand). Cytogenetic location: 6p12.3.
Variant type: Deletion.
Identifiers: ClinVar variation 3245964 (VCV003245964.1).

ClinVar aggregate classification (germline): Pathogenic (1 of 4 stars; one submission).

Conditions:
Autosomal recessive polycystic kidney disease (ARPKD). Also called: AR polycystic kidney disease. Identifiers: Orphanet 731, Orphanet 8378, MedGen C0085548, MeSH D017044, MONDO:0009889.

Submission:

Labcorp Genetics (formerly Invitae), Labcorp
Classification: Pathogenic for Autosomal recessive polycystic kidney disease. Last evaluated: 2023-06-19. Review status: criteria provided, single submitter. Criteria: Invitae Variant Classification Sherloc (09022015). Collection method: clinical testing. Allele origin: unknown.
Comment: For these reasons, this variant has been classified as Pathogenic. This variant has not been reported in the literature in individuals affected with PKHD1-related conditions. This variant is a gross deletion of the genomic region encompassing exon(s) 40-43 of the PKHD1 gene. This deletion is out-of-frame, and is expected to create a premature termination codon and result in an absent or disrupted protein product. Loss-of-function variants in PKHD1 are known to be pathogenic (PMID: 19940839).

Literature cited by the submitters: PubMed 19940839.